The following is an entry in ClinVar:

NM_000218.3(KCNQ1):c.683+5G>C

Gene: KCNQ1 (potassium voltage-gated channel subfamily Q member 1; plus strand). Cytogenetic location: 11p15.5.
Variant type: single nucleotide variant.
Coding change: c.683+5G>C on transcript NM_000218.3 (MANE Select); 5 bases into the intron after coding-DNA position 683, G replaced by C.
Molecular consequence: intron variant.
Genome position (GRCh38, 1-based): chr11:2,571,408, G>C. VCF-style: chr11-2571408-G-C. GRCh37 (hg19) VCF-style: chr11-2592638-G-C.
Other names: c.413+5G>C (NM_001406837.1); c.683+5G>C (NM_001406836.1); c.478-12027G>C (NM_001406838.1); c.302+5G>C (NM_181798.2).
Identifiers: ClinVar variation 1390431 (VCV001390431.7), dbSNP rs397508122, ClinGen allele CA2573146070.

ClinVar aggregate classification (germline): Uncertain significance (1 of 4 stars; one submission).

Conditions:
Long QT syndrome (LQTS). Identifiers: MedGen C0023976, MeSH D008133, MONDO:0002442. Disease mechanism: loss of function. Inheritance: Various modes of inheritance.

Submission:

Labcorp Genetics (formerly Invitae), Labcorp
Classification: Uncertain significance for Long QT syndrome. Last evaluated: 2021-10-31. Review status: criteria provided, single submitter. Criteria: Invitae Variant Classification Sherloc (09022015). Collection method: clinical testing. Allele origin: germline.
Comment: This sequence change falls in intron 4 of the KCNQ1 gene. It does not directly change the encoded amino acid sequence of the KCNQ1 protein. It affects a nucleotide within the consensus splice site. This variant is not present in population databases (gnomAD no frequency). This variant has not been reported in the literature in individuals affected with KCNQ1-related conditions. Variants that disrupt the consensus splice site are a relatively common cause of aberrant splicing (PMID: 17576681, 9536098). Algorithms developed to predict the effect of sequence changes on RNA splicing suggest that this variant may disrupt the consensus splice site. This variant disrupts the c.683+5 nucleotide in the KCNQ1 gene. Other variant(s) that disrupt this nucleotide have been determined to be pathogenic (PMID: 27917693, 28438721). This suggests that this nucleotide is clinically significant, and that variants that disrupt this position are likely to be disease-causing. In summary, the available evidence is currently insufficient to determine the role of this variant in disease. Therefore, it has been classified as a Variant of Uncertain Significance.

Literature cited by the submitters: PubMed 17576681; PubMed 9536098; PubMed 27917693; PubMed 28438721.